The following is an entry in ClinVar:

NM_000092.5(COL4A4):c.2252G>A (p.Gly751Glu)

Gene: COL4A4 (collagen type IV alpha 4 chain; minus strand). Cytogenetic location: 2q36.3.
Variant type: single nucleotide variant.
Coding change: c.2252G>A on transcript NM_000092.5 (MANE Select); coding-DNA position 2252, G replaced by A.
Protein change: p.Gly751Glu; replaces glycine 751 with glutamic acid.
Molecular consequence: missense variant.
Genome position (GRCh38, 1-based): chr2:227,059,536, C>T on the plus strand (G>A on the coding strand, the complement: COL4A4 is on the minus strand). VCF-style: chr2-227059536-C-T. GRCh37 (hg19) VCF-style: chr2-227924252-C-T.
Other names: p.(Gly751Glu); short protein forms G751E.
Identifiers: ClinVar variation 4884693 (VCV004884693.1).
Genomic context (GRCh38, chr2:227,059,536, plus strand): 5'-CCCGGGGGTCCCAGGTGACCAAATGCAGGGTCTCCCGGGATTCCTTTCTGACCATTCACT[C>T]CTGGTGAGCCGGGAGGGCCTGGGGGCCCAACAGGGGAGGACCCCTTTTCACCTCCAAAAC-3'
Protein context (NP_000083.3, residues 741-761): VGPPGPPGSP[Gly751Glu]VNGQKGIPGD

ClinVar aggregate classification (germline): Likely pathogenic (1 of 4 stars; one submission).

Conditions:
Hematuria, benign familial, 1 (BFH1). Also called: THIN MEMBRANE NEPHROPATHY. Identifiers: MedGen CN376803, MONDO:0007709, OMIM 141200.

Submission:

Centre de Génétique Humaine, Institut de Pathologie Et de Génétique
Classification: Likely pathogenic for Hematuria, benign familial, 1. Last evaluated: 2026-05-06. Review status: criteria provided, single submitter. Criteria: ACMG Guidelines, 2015. Collection method: clinical testing. Allele origin: maternal, germline. Inheritance: Autosomal dominant inheritance. Affected: yes. Observed: 2 variant alleles, 2 heterozygotes. Clinical features observed: Microscopic hematuria (HP:0002907). Segregation with disease observed.
Comment: This missense variant involves a highly conserved glycine located in a ‘Gly-X-Y’ motif in collagenous region, which is characteristic of the pathogenic variants identified in the COL4A4 gene (PM1,PP2). This variant is rare: absent in gnomAD v4.1.0 database (PM2). Another missense variant affecting the same residue described as LP in ClinVar: c.2251G>A, p.(Gly751Arg), (PM5). In silico analysis supports that this missense variant has a deleterious effect (PP3)